The following is an entry in ClinVar:

NM_001286577.2(C2CD3):c.5000C>A (p.Ser1667Tyr)

Gene: C2CD3 (C2 domain containing 3 centriole elongation regulator; minus strand). Cytogenetic location: 11q13.4.
Variant type: single nucleotide variant.
Coding change: c.5000C>A on transcript NM_001286577.2 (MANE Select); coding-DNA position 5000, C replaced by A.
Protein change: p.Ser1667Tyr; replaces serine 1667 with tyrosine.
Molecular consequence: missense variant.
Genome position (GRCh38, 1-based): chr11:74,057,496, G>T on the plus strand (C>A on the coding strand, the complement: C2CD3 is on the minus strand). VCF-style: chr11-74057496-G-T. GRCh37 (hg19) VCF-style: chr11-73768541-G-T.
Other names: c.5000C>A (NM_015531.5); c.5000C>A, p.Ser1667Tyr (NM_015531.6); short protein forms S1667Y.
Identifiers: ClinVar variation 4688901 (VCV004688901.3).

ClinVar aggregate classification (germline): Uncertain significance. Review status: criteria provided, multiple submitters, no conflicts (2 of 4 stars). 3 submissions from 3 submitters: Uncertain significance (3). Last evaluated 2026-05-06.

Conditions:
C2CD3-related disorder. Also called: C2CD3-related condition.

gnomAD v4.1: 1 of 1,614,018 alleles (0.000062%); no homozygotes.

Submissions (3):

PreventionGenetics, part of Exact Sciences
Classification: Uncertain significance for C2CD3-related condition. Last evaluated: 2026-05-06. Review status: criteria provided, single submitter. Criteria: ACMG Guidelines, 2015. Collection method: clinical testing. Allele origin: germline.
Comment: The C2CD3 c.5000C>A variant is predicted to result in the amino acid substitution p.Ser1667Tyr. To our knowledge, this variant has not been reported in the literature or in a large population database (gnomAD), indicating this variant is rare. At this time, the clinical significance of this variant is uncertain due to the absence of conclusive functional and genetic evidence.

Women's Health and Genetics/Laboratory Corporation of America, LabCorp
Classification: Uncertain significance. Last evaluated: 2025-12-31. Review status: criteria provided, single submitter. Criteria: LabCorp Variant Classification Summary - May 2015. Collection method: clinical testing. Allele origin: germline.
Comment: Variant summary: C2CD3 c.5000C>A (p.Ser1667Tyr) results in a non-conservative amino acid change in the encoded protein sequence. Algorithms developed to predict the effect of missense changes on protein structure and function are either unavailable or do not agree on the potential impact of this missense change. The variant was absent in 251338 control chromosomes. The available data on variant occurrences in the general population are insufficient to allow any conclusion about variant significance. To our knowledge, no occurrence of c.5000C>A in individuals affected with C2CD3-related conditions and no experimental evidence demonstrating its impact on protein function have been reported. No submitters have cited clinical-significance assessments for this variant to ClinVar. Based on the evidence outlined above, the variant was classified as uncertain significance.

Blueprint Genetics
Classification: Uncertain significance. Last evaluated: 2024-11-14. Review status: criteria provided, single submitter. Criteria: ACMG Guidelines, 2015. Collection method: clinical testing. Allele origin: germline.